The following is an entry in ClinVar:

ClinVar aggregate classification (germline): Uncertain significance (1 of 4 stars; one submission).

Conditions:
Leukocyte adhesion deficiency 1 (LAD1). Also called: LEUKOCYTE ADHESION DEFICIENCY, TYPE I; LAD 1; Lymphocyte function-associated antigen 1 immunodeficiency; LFA 1 immunodeficiency. Identifiers: Orphanet 2968, Orphanet 99842, MedGen C0398738, MONDO:0007293, OMIM 116920.

gnomAD v4.1: 13 of 1,613,164 alleles (0.00081%); highest among the groups gnomAD compares: Non-Finnish European, 0.001%; no homozygotes.

Submission:

Labcorp Genetics (formerly Invitae), Labcorp
Classification: Uncertain significance for Leukocyte adhesion deficiency 1. Last evaluated: 2024-05-23. Review status: criteria provided, single submitter. Criteria: Invitae Variant Classification Sherloc (09022015). Collection method: clinical testing. Allele origin: germline.
Comment: This sequence change affects codon 549 of the ITGB2 mRNA. It is a 'silent' change, meaning that it does not change the encoded amino acid sequence of the ITGB2 protein. This variant is present in population databases (rs757436659, gnomAD 0.0009%). This variant has not been reported in the literature in individuals affected with ITGB2-related conditions. Algorithms developed to predict the effect of sequence changes on RNA splicing suggest that this variant may disrupt the consensus splice site. In summary, the available evidence is currently insufficient to determine the role of this variant in disease. Therefore, it has been classified as a Variant of Uncertain Significance.

NM_000211.5(ITGB2):c.1647C>T (p.Cys549=)

Gene: ITGB2 (integrin subunit beta 2; minus strand). Cytogenetic location: 21q22.3.
Variant type: single nucleotide variant.
Coding change: c.1647C>T on transcript NM_000211.5 (MANE Select); coding-DNA position 1647, C replaced by T.
Protein change: p.Cys549=; no amino-acid change (cysteine 549 retained).
Molecular consequence: synonymous variant.
Genome position (GRCh38, 1-based): chr21:44,889,988, G>A on the plus strand (C>T on the coding strand, the complement: ITGB2 is on the minus strand). VCF-style: chr21-44889988-G-A. GRCh37 (hg19) VCF-style: chr21-46309903-G-A.
Other names: c.1647C>T, p.Cys549= (NM_001127491.3); c.1440C>T, p.Cys480= (NM_001303238.2).
Identifiers: ClinVar variation 3718828 (VCV003718828.2).